The following is an entry in ClinVar:

NM_194248.3(OTOF):c.79+12G>A

Gene: OTOF (otoferlin; minus strand). Cytogenetic location: 2p23.3.
Variant type: single nucleotide variant.
Coding change: c.79+12G>A on transcript NM_194248.3 (MANE Select); 12 bases into the intron after coding-DNA position 79, G replaced by A.
Molecular consequence: intron variant.
Genome position (GRCh38, 1-based): chr2:26,558,481, C>T on the plus strand (G>A on the coding strand, the complement: OTOF is on the minus strand). VCF-style: chr2-26558481-C-T. GRCh37 (hg19) VCF-style: chr2-26781349-C-T.
Other names: c.79+12G>A (NM_001287489.2).
Identifiers: ClinVar variation 48275 (VCV000048275.17), dbSNP rs201241987, ClinGen allele CA142956.
Genomic context (GRCh38, chr2:26,558,481, plus strand): 5'-CCGGCCACCTCCAGAGCATGGGCTGGTCCAGCTCTCAGAGCTGGCGTCCCTCTGAGACAG[C>T]GGCTTCCCTACCTCGGAAAGTCACTTTGGCGATCCGGTCGCCCCTGCCCCGCAGCTCCGA-3'

ClinVar aggregate classification (germline): Conflicting classifications of pathogenicity. Review status: criteria provided, conflicting classifications (1 of 4 stars). 4 submissions from 4 submitters: Uncertain significance (1); Likely benign (3). Last evaluated 2026-01-19.

Conditions:
Autosomal recessive nonsyndromic hearing loss 9. Also called: NEUROSENSORY NONSYNDROMIC RECESSIVE DEAFNESS 9; AUDITORY NEUROPATHY, AUTOSOMAL RECESSIVE, 1, TEMPERATURE-SENSITIVE; OTOF-Related Hearing Loss; Deafness, autosomal recessive 9. Identifiers: Orphanet 90636, MedGen C1832828, MONDO:0010986, OMIM 601071.

Allele frequency attached by ClinVar (database versions not stated): ExAC 0.00007; gnomAD exomes 0.00008 and 0.00006; gnomAD 0.00014; 1000 Genomes Project 30x 0.00031; TOPMed 0.00035; 1000 Genomes Project 0.00040.
gnomAD v4.1: 111 of 1,611,678 alleles (0.0069%); highest among the groups gnomAD compares: Admixed American, 0.055%; no homozygotes.

Submissions (4):

Labcorp Genetics (formerly Invitae), Labcorp
Classification: Likely benign. Last evaluated: 2026-01-19. Review status: criteria provided, single submitter. Criteria: Invitae Variant Classification Sherloc (09022015). Collection method: clinical testing. Allele origin: germline.

Blueprint Genetics
Classification: Likely benign. Last evaluated: 2024-03-19. Review status: criteria provided, single submitter. Criteria: ACMG Guidelines, 2015. Collection method: clinical testing. Allele origin: germline.

Illumina Laboratory Services, Illumina
Classification: Uncertain significance for Autosomal recessive nonsyndromic hearing loss 9. Last evaluated: 2017-04-27. Review status: criteria provided, single submitter. Criteria: ICSL Variant Classification Criteria 13 December 2019. Collection method: clinical testing. Allele origin: germline.

Laboratory for Molecular Medicine, Mass General Brigham Personalized Medicine
Classification: Likely benign. Last evaluated: 2012-05-29. Review status: criteria provided, single submitter. Criteria: LMM Criteria. Collection method: clinical testing. Allele origin: germline. Observed: 1 variant allele.
Comment: 79+12G>A in intron 1 of OTOF: This variant is not expected to have clinical sign ificance because it is not located within the conserved region of the splice con sensus sequence.